The following is an entry in ClinVar:

NM_001040151.2(SCN3B):c.384T>G (p.Phe128Leu)

Gene: SCN3B (sodium voltage-gated channel beta subunit 3; minus strand). Cytogenetic location: 11q24.1.
Variant type: single nucleotide variant.
Coding change: c.384T>G on transcript NM_001040151.2 (MANE Select); coding-DNA position 384, T replaced by G.
Protein change: p.Phe128Leu; replaces phenylalanine 128 with leucine.
Molecular consequence: missense variant.
Genome position (GRCh38, 1-based): chr11:123,642,507, A>C on the plus strand (T>G on the coding strand, the complement: SCN3B is on the minus strand). VCF-style: chr11-123642507-A-C. GRCh37 (hg19) VCF-style: chr11-123513215-A-C.
Other names: c.384T>G, p.Phe128Leu (NM_018400.4); short protein forms F128L.
Identifiers: ClinVar variation 2448566 (VCV002448566.2), dbSNP rs745365889, ClinGen allele CA383071395.
Genomic context (GRCh38, chr11:123,642,507, plus strand): 5'-CTCCTCGGTGACTCTTAGGGGGATCAGCCGCGTCGTCTTCACAAAGGGCCGATGCGCCTC[A>C]AACTCAAACTCCCGGGACACATTGCAGGTGTAGAGGCCAGAGTCGTTCAGAGTGACGTTG-3'
Protein context (NP_001035241.1, residues 118-138): YTCNVSREFE[Phe128Leu]EAHRPFVKTT

ClinVar aggregate classification (germline): Uncertain significance (1 of 4 stars; one submission).

Conditions:
Cardiovascular phenotype. Identifiers: MedGen CN230736.

gnomAD v4.1: 1 of 1,614,158 alleles (0.000062%); highest among the groups gnomAD compares: Non-Finnish European, 0.000085%; no homozygotes.

Submission:

Ambry Genetics
Classification: Uncertain significance for Cardiovascular phenotype. Last evaluated: 2023-02-20. Review status: criteria provided, single submitter. Criteria: Ambry Variant Classification Scheme 2023. Collection method: clinical testing. Allele origin: germline.
Comment: The p.F128L variant (also known as c.384T>G), located in coding exon 3 of the SCN3B gene, results from a T to G substitution at nucleotide position 384. The phenylalanine at codon 128 is replaced by leucine, an amino acid with highly similar properties. This amino acid position is conserved. In addition, this alteration is predicted to be deleterious by in silico analysis. Since supporting evidence is limited at this time, the clinical significance of this alteration remains unclear.